The following is an entry in ClinVar:

ClinVar aggregate classification (germline): Uncertain significance. Review status: criteria provided, multiple submitters, no conflicts (2 of 4 stars). 2 submissions from 2 submitters: Uncertain significance (2). Last evaluated 2025-08-09.

Conditions:
Inborn genetic diseases. Identifiers: MedGen C0950123, MeSH D030342.
Glanzmann thrombasthenia. Also called: BLEEDING DISORDER, PLATELET-TYPE, 2; THROMBASTHENIA OF GLANZMANN AND NAEGELI; PLATELET GLYCOPROTEIN IIb-IIIa DEFICIENCY; Thrombasthenia; Glanzmann's thrombasthenia. Identifiers: Orphanet 849, MedGen C0040015, MONDO:0100326.

gnomAD v4.1: 6 of 1,613,644 alleles (0.00037%); highest among the groups gnomAD compares: Admixed American, 0.01%; no homozygotes.

Submissions (2):

Ambry Genetics
Classification: Uncertain significance for Inborn genetic diseases. Last evaluated: 2025-08-09. Review status: criteria provided, single submitter. Criteria: Ambry Variant Classification Scheme 2023. Collection method: clinical testing. Allele origin: germline.

Labcorp Genetics (formerly Invitae), Labcorp
Classification: Uncertain significance for Glanzmann thrombasthenia. Last evaluated: 2025-07-20. Review status: criteria provided, single submitter. Criteria: Invitae Variant Classification Sherloc (09022015). Collection method: clinical testing. Allele origin: germline.
Comment: This sequence change replaces serine, which is neutral and polar, with phenylalanine, which is neutral and non-polar, at codon 303 of the ITGA2B protein (p.Ser303Phe). This variant is present in population databases (rs761397037, gnomAD 0.009%). This variant has not been reported in the literature in individuals affected with ITGA2B-related conditions. Invitae Evidence Modeling of protein sequence and biophysical properties (such as structural, functional, and spatial information, amino acid conservation, physicochemical variation, residue mobility, and thermodynamic stability) has been performed for this missense variant. However, the output from this modeling did not meet the statistical confidence thresholds required to predict the impact of this variant on ITGA2B protein function. In summary, the available evidence is currently insufficient to determine the role of this variant in disease. Therefore, it has been classified as a Variant of Uncertain Significance.

NM_000419.5(ITGA2B):c.908C>T (p.Ser303Phe)

Gene: ITGA2B (integrin subunit alpha 2b; minus strand). Cytogenetic location: 17q21.31.
Variant type: single nucleotide variant.
Coding change: c.908C>T on transcript NM_000419.5 (MANE Select); coding-DNA position 908, C replaced by T.
Protein change: p.Ser303Phe; replaces serine 303 with phenylalanine.
Molecular consequence: missense variant.
Genome position (GRCh38, 1-based): chr17:44,384,122, G>A on the plus strand (C>T on the coding strand, the complement: ITGA2B is on the minus strand). VCF-style: chr17-44384122-G-A. GRCh37 (hg19) VCF-style: chr17-42461490-G-A.
Other names: short protein forms S303F.
Identifiers: ClinVar variation 4277161 (VCV004277161.2).
Genomic context (GRCh38, chr17:44,384,122, plus strand): 5'-GCCCACTGGGACCTGGCCCCCACCTGCTCTCCGCGCAGCCGATGCAGCCTCTGGTAGTAG[G>A]AATCCAAAATTTCCACCTGCACGGACAGCGCAGGCGAGAGCATCATTCTTGTACCCAAAG-3'
Protein context (NP_000410.2, residues 293-313): WTLGAVEILD[Ser303Phe]YYQRLHRLRG